The following is an entry in ClinVar:

ClinVar aggregate classification (germline): Conflicting classifications of pathogenicity. Review status: criteria provided, conflicting classifications (1 of 4 stars). 10 submissions from 9 submitters: Uncertain significance (6); Likely benign (4). Last evaluated 2026-06-26.

Conditions:
Joubert syndrome 9 (JBTS9). Identifiers: Orphanet 2318, MedGen C2676788, MONDO:0012849, OMIM 612285.
Meckel syndrome, type 6. Identifiers: Orphanet 564, MedGen C2676790, MONDO:0012848, OMIM 612284.
Retinitis pigmentosa 93. Identifiers: MedGen C5676970, MONDO:0030797, OMIM 619845.
COACH syndrome 2. Identifiers: MedGen C5436837, MONDO:0030859, OMIM 619111.
CC2D2A-related disorder. Also called: CC2D2A-related condition; CC2D2A-related disorders. Identifiers: MedGen CN239313.
Meckel-Gruber syndrome. Also called: Dysencephalia splachnocystica; DYSENCEPHALIA SPLANCHNOCYSTICA; GRUBER SYNDROME. Identifiers: Orphanet 564, MedGen C0265215, MONDO:0018921.
Joubert syndrome. Also called: JOUBERT-BOLTSHAUSER SYNDROME; Familial aplasia of the vermis. Identifiers: Orphanet 475, MedGen C5979921, MONDO:0018772.

Allele frequency attached by ClinVar (database versions not stated): gnomAD 0.00007 and 0.00011; gnomAD exomes 0.00010 and 0.00034; TOPMed 0.00029; ExAC 0.00034; 1000 Genomes Project 0.00040; 1000 Genomes Project 30x 0.00094.
gnomAD v4.1: 158 of 1,612,646 alleles (0.0098%); highest among the groups gnomAD compares: East Asian, 0.3%; 1 homozygote.

Submissions (10):

PreventionGenetics, part of Exact Sciences
Classification: Uncertain significance for CC2D2A-related condition. Last evaluated: 2026-06-26. Review status: criteria provided, single submitter. Criteria: ACMG Guidelines, 2015. Collection method: clinical testing. Allele origin: germline.
Comment: The CC2D2A c.4238G>A variant is predicted to result in the amino acid substitution p.Cys1413Tyr. This variant was reported in at least one individual with Joubert syndrome in the compound heterozygous state (Fang et al. 2023. PubMed ID: 37735380). It was also reported along with second variant in an individual with cerebellar hypoplasia and atrophy (Table S3, Sakamoto et al. 2022. PubMed ID: 36305856). It was also observed in presumed heterozygous state in an individual with nephronophthisis-related ciliopathy (gene as MKS6, Table 2, Kang et al. 2016. PubMed ID: 27491411). This variant is reported in 0.44% of alleles in individuals of East Asian descent in gnomAD, which is higher than expected for pathogenic variant. Although we suspect that this variant may be benign, at this time, the clinical significance of this variant is uncertain due to the absence of conclusive functional and genetic evidence.

Labcorp Genetics (formerly Invitae), Labcorp
Classification: Likely benign for Joubert syndrome; Meckel-Gruber syndrome. Last evaluated: 2026-02-01. Review status: criteria provided, single submitter. Criteria: Invitae Variant Classification Sherloc (09022015). Collection method: clinical testing. Allele origin: germline.

Fulgent Genetics
Classification: Uncertain significance for Meckel syndrome, type 6; Joubert syndrome 9; COACH syndrome 2; Retinitis pigmentosa 93. Last evaluated: 2024-06-22. Review status: criteria provided, single submitter. Criteria: ACMG Guidelines, 2015. Collection method: clinical testing. Allele origin: germline.

Blueprint Genetics
Classification: Likely benign. Last evaluated: 2024-06-14. Review status: criteria provided, single submitter. Criteria: ACMG Guidelines, 2015. Collection method: clinical testing. Allele origin: germline.

CeGaT Center for Human Genetics Tuebingen
Classification: Likely benign. Last evaluated: 2022-05-01. Review status: criteria provided, single submitter. Criteria: CeGaT Center For Human Genetics Tuebingen Variant Classification Criteria Version 2. Collection method: clinical testing. Allele origin: germline. Affected: yes. Observed: 1 variant allele.
Comment: CC2D2A: BP4, BS1

GeneDx
Classification: Uncertain significance. Last evaluated: 2019-07-01. Review status: criteria provided, single submitter. Criteria: GeneDx Variant Classification Process June 2021. Collection method: clinical testing. Allele origin: germline. Affected: yes.
Comment: In silico analysis, which includes protein predictors and evolutionary conservation, supports a deleterious effect; This variant is associated with the following publications: (PMID: 27491411)

Illumina Laboratory Services, Illumina
Classification: Uncertain significance for Joubert syndrome 9. Last evaluated: 2018-01-12. Review status: criteria provided, single submitter. Criteria: ICSL Variant Classification Criteria 13 December 2019. Collection method: clinical testing. Allele origin: germline.

Illumina Laboratory Services, Illumina
Classification: Uncertain significance for Meckel syndrome, type 6. Last evaluated: 2018-01-12. Review status: criteria provided, single submitter. Criteria: ICSL Variant Classification Criteria 13 December 2019. Collection method: clinical testing. Allele origin: germline.

Eurofins Ntd Llc (ga)
Classification: Likely benign. Last evaluated: 2017-05-31. Review status: criteria provided, single submitter. Criteria: EGL Classification Definitions 2015. Collection method: clinical testing. Allele origin: germline. Observed: 1 variant allele, 1 heterozygote.

Juno Genomics, Hangzhou Juno Genomics, Inc
Classification: Uncertain significance for COACH syndrome 2; Joubert syndrome 9; Meckel syndrome, type 6; Retinitis pigmentosa 93. Review status: criteria provided, single submitter. Criteria: ACMG Guidelines, 2015. Collection method: clinical testing. Allele origin: germline. Affected: yes.
Comment: For recessive disorders, detected in trans with a pathogenic variant.;Patient's phenotype or family history is highly specific for a disease with a single genetic etiology.

NM_001378615.1(CC2D2A):c.4238G>A (p.Cys1413Tyr)

Genes: CC2D2A (coiled-coil and C2 domain containing 2A; plus strand), FBXL5 (F-box and leucine rich repeat protein 5; minus strand). Cytogenetic location: 4p15.32.
Variant type: single nucleotide variant.
Coding change: c.4238G>A on transcript NM_001378615.1 (MANE Select); coding-DNA position 4238, G replaced by A.
Protein change: p.Cys1413Tyr; replaces cysteine 1413 with tyrosine.
Molecular consequence: missense variant.
Genome position (GRCh38, 1-based): chr4:15,589,603, G>A. VCF-style: chr4-15589603-G-A. GRCh37 (hg19) VCF-style: chr4-15591226-G-A.
Other names: c.4238G>A, p.Cys1413Tyr (NM_001080522.2); c.4091G>A, p.Cys1364Tyr (NM_001378617.1); short protein forms C1413Y, C1364Y.
Identifiers: ClinVar variation 502359 (VCV000502359.48), dbSNP rs146843542, ClinGen allele CA2864358.